The following is an entry in ClinVar:

ClinVar aggregate classification (germline): Uncertain significance (1 of 4 stars; one submission).

Allele frequency attached by ClinVar (database versions not stated): gnomAD exomes below 0.00001.

Submission:

Labcorp Genetics (formerly Invitae), Labcorp
Classification: Uncertain significance. Last evaluated: 2024-01-17. Review status: criteria provided, single submitter. Criteria: Invitae Variant Classification Sherloc (09022015). Collection method: clinical testing. Allele origin: germline.
Comment: This sequence change replaces aspartic acid, which is acidic and polar, with glycine, which is neutral and non-polar, at codon 742 of the KAT6A protein (p.Asp742Gly). This variant is not present in population databases (gnomAD no frequency). This variant has not been reported in the literature in individuals affected with KAT6A-related conditions. ClinVar contains an entry for this variant (Variation ID: 2126913). Advanced modeling of protein sequence and biophysical properties (such as structural, functional, and spatial information, amino acid conservation, physicochemical variation, residue mobility, and thermodynamic stability) performed at Invitae indicates that this missense variant is not expected to disrupt KAT6A protein function with a negative predictive value of 80%. In summary, the available evidence is currently insufficient to determine the role of this variant in disease. Therefore, it has been classified as a Variant of Uncertain Significance.

NM_006766.5(KAT6A):c.2225A>G (p.Asp742Gly)

Gene: KAT6A (lysine acetyltransferase 6A; minus strand). Cytogenetic location: 8p11.21.
Variant type: single nucleotide variant.
Coding change: c.2225A>G on transcript NM_006766.5 (MANE Select); coding-DNA position 2225, A replaced by G.
Protein change: p.Asp742Gly; replaces aspartic acid 742 with glycine.
Molecular consequence: missense variant.
Genome position (GRCh38, 1-based): chr8:41,943,751, T>C on the plus strand (A>G on the coding strand, the complement: KAT6A is on the minus strand). VCF-style: chr8-41943751-T-C. GRCh37 (hg19) VCF-style: chr8-41801269-T-C.
Other names: c.2225A>G, p.Asp742Gly (NM_001305878.2); short protein forms D742G.
Identifiers: ClinVar variation 2126913 (VCV002126913.4), dbSNP rs2486777206, ClinGen allele CA371072958.
Genomic context (GRCh38, chr8:41,943,751, plus strand): 5'-CCAAAAAACTTCAACCTAATTATCTTTCAAAGGTATACAAAAAGATGTGATACTCACTGG[T>C]CACTACGGAAGTCCAGCATTCGTAGGTGGTGGAGTGTGGAAGTGATGTCTTGAGGGCAGA-3'
Protein context (NP_006757.2, residues 732-752): HHLRMLDFRS[Asp742Gly]QFVIIRREKL